The following is an entry in ClinVar:

ClinVar aggregate classification (germline): Uncertain significance (1 of 4 stars; one submission).

Allele frequency attached by ClinVar (database versions not stated): gnomAD exomes below 0.00001; TOPMed below 0.00001.
gnomAD v4.1: 2 of 1,614,142 alleles (0.00012%); highest among the groups gnomAD compares: Non-Finnish European, 0.00017%; no homozygotes.

Submission:

Labcorp Genetics (formerly Invitae), Labcorp
Classification: Uncertain significance. Last evaluated: 2025-03-31. Review status: criteria provided, single submitter. Criteria: Invitae Variant Classification Sherloc (09022015). Collection method: clinical testing. Allele origin: germline.
Comment: This sequence change replaces isoleucine, which is neutral and non-polar, with threonine, which is neutral and polar, at codon 2710 of the FAT2 protein (p.Ile2710Thr). This variant is not present in population databases (gnomAD no frequency). This variant has not been reported in the literature in individuals affected with FAT2-related conditions. ClinVar contains an entry for this variant (Variation ID: 1962765). Invitae Evidence Modeling of protein sequence and biophysical properties (such as structural, functional, and spatial information, amino acid conservation, physicochemical variation, residue mobility, and thermodynamic stability) indicates that this missense variant is not expected to disrupt FAT2 protein function with a negative predictive value of 80%. In summary, the available evidence is currently insufficient to determine the role of this variant in disease. Therefore, it has been classified as a Variant of Uncertain Significance.

NM_001447.3(FAT2):c.8129T>C (p.Ile2710Thr)

Genes: FAT2 (FAT atypical cadherin 2; minus strand), SLC36A1 (solute carrier family 36 member 1; plus strand). Cytogenetic location: 5q33.1.
Variant type: single nucleotide variant.
Coding change: c.8129T>C on transcript NM_001447.3 (MANE Select); coding-DNA position 8129, T replaced by C.
Protein change: p.Ile2710Thr; replaces isoleucine 2710 with threonine.
Molecular consequence: missense variant.
Genome position (GRCh38, 1-based): chr5:151,542,998, A>G on the plus strand (T>C on the coding strand, the complement: FAT2 is on the minus strand). VCF-style: chr5-151542998-A-G. GRCh37 (hg19) VCF-style: chr5-150922559-A-G.
Other names: short protein forms I2710T.
Identifiers: ClinVar variation 1962765 (VCV001962765.5), dbSNP rs1756300360, ClinGen allele CA361832708.